The following is an entry in ClinVar:

NM_014795.4(ZEB2):c.1956C>A (p.Tyr652Ter)

Gene: ZEB2 (zinc finger E-box binding homeobox 2; minus strand). Cytogenetic location: 2q22.3.
Variant type: single nucleotide variant.
Coding change: c.1956C>A on transcript NM_014795.4 (MANE Select); coding-DNA position 1956, C replaced by A.
Protein change: p.Tyr652Ter; replaces tyrosine 652 with a stop codon.
Molecular consequence: nonsense.
Genome position (GRCh38, 1-based): chr2:144,399,231, G>T on the plus strand (C>A on the coding strand, the complement: ZEB2 is on the minus strand). VCF-style: chr2-144399231-G-T. GRCh37 (hg19) VCF-style: chr2-145156798-G-T.
Other names: c.1884C>A, p.Tyr628Ter (NM_001171653.2); short protein forms Y652*, Y628*.
Identifiers: ClinVar variation 589324 (VCV000589324.12), dbSNP rs587784563, ClinGen allele CA348709556.

ClinVar aggregate classification (germline): Pathogenic. Review status: criteria provided, multiple submitters, no conflicts (2 of 4 stars). 3 submissions from 3 submitters: Pathogenic (3). Last evaluated 2021-11-07.

Conditions:
Inborn genetic diseases. Identifiers: MedGen C0950123, MeSH D030342.
Mowat-Wilson syndrome (MOWS). Also called: Classic Mowat-Wilson Syndrome. Identifiers: Orphanet 2152, MedGen C1856113, MONDO:0009341, OMIM 235730.

Submissions (3):

Genome-Nilou Lab
Classification: Pathogenic for Mowat-Wilson syndrome. Last evaluated: 2021-11-07. Review status: criteria provided, single submitter. Criteria: ACMG Guidelines, 2015. Collection method: clinical testing. Allele origin: germline. Affected: no.

Ambry Genetics
Classification: Pathogenic for Inborn genetic diseases. Last evaluated: 2016-07-08. Review status: criteria provided, single submitter. Criteria: Ambry Variant Classification Scheme 2023. Collection method: clinical testing. Allele origin: germline.
Comment: The p.Y652* pathogenic mutation (also known as c.1956C>A), located in coding exon 7 of the ZEB2 gene, results from a C to A substitution at nucleotide position 1956. This changes the amino acid from a tyrosine to a stop codon within coding exon 7. In addition to the clinical data presented in the literature, this alteration is expected to result in loss of function by premature protein truncation or nonsense-mediated mRNA decay. As such, this alteration is interpreted as a disease-causing mutation.

Genetic Services Laboratory, University of Chicago
Classification: Pathogenic for Mowat-Wilson syndrome. Last evaluated: 2013-02-08. Review status: criteria provided, single submitter. Criteria: ACMG Guidelines, 2007. Collection method: clinical testing. Allele origin: germline. Affected: yes.

Literature cited by the submitters: PubMed 23243526 (cited by Ambry Genetics); PubMed 23523603 (cited by Ambry Genetics).